The following is an entry in ClinVar:

NM_005529.7(HSPG2):c.1928G>A (p.Arg643His)

Gene: HSPG2 (heparan sulfate proteoglycan 2; minus strand). Cytogenetic location: 1p36.12.
Variant type: single nucleotide variant.
Coding change: c.1928G>A on transcript NM_005529.7 (MANE Select); coding-DNA position 1928, G replaced by A.
Protein change: p.Arg643His; replaces arginine 643 with histidine.
Molecular consequence: missense variant.
Genome position (GRCh38, 1-based): chr1:21,880,726, C>T on the plus strand (G>A on the coding strand, the complement: HSPG2 is on the minus strand). VCF-style: chr1-21880726-C-T. GRCh37 (hg19) VCF-style: chr1-22207219-C-T.
Other names: c.1931G>A, p.Arg644His (NM_001291860.2); short protein forms R643H, R644H.
Identifiers: ClinVar variation 1006631 (VCV001006631.10), dbSNP rs137856189, ClinGen allele CA673240.

ClinVar aggregate classification (germline): Uncertain significance. Review status: criteria provided, multiple submitters, no conflicts (2 of 4 stars). 2 submissions from 2 submitters: Uncertain significance (2). Last evaluated 2024-10-25.

Allele frequency attached by ClinVar (database versions not stated): gnomAD 0.00001 and 0.00005; TOPMed 0.00002; gnomAD exomes 0.00003 and 0.00005; ExAC 0.00008; 1000 Genomes Project 30x 0.00016; 1000 Genomes Project 0.00020.
gnomAD v4.1: 51 of 1,600,910 alleles (0.0032%); highest among the groups gnomAD compares: South Asian, 0.044%; 1 homozygote.

Submissions (2):

Labcorp Genetics (formerly Invitae), Labcorp
Classification: Uncertain significance. Last evaluated: 2024-10-25. Review status: criteria provided, single submitter. Criteria: Invitae Variant Classification Sherloc (09022015). Collection method: clinical testing. Allele origin: germline.
Comment: This sequence change replaces arginine, which is basic and polar, with histidine, which is basic and polar, at codon 643 of the HSPG2 protein (p.Arg643His). The frequency data for this variant in the population databases is considered unreliable, as metrics indicate poor data quality at this position in the gnomAD database. This variant has not been reported in the literature in individuals affected with HSPG2-related conditions. ClinVar contains an entry for this variant (Variation ID: 1006631). An algorithm developed to predict the effect of missense changes on protein structure and function (PolyPhen-2) suggests that this variant is likely to be disruptive. In summary, the available evidence is currently insufficient to determine the role of this variant in disease. Therefore, it has been classified as a Variant of Uncertain Significance.

Blueprint Genetics
Classification: Uncertain significance. Last evaluated: 2023-09-13. Review status: criteria provided, single submitter. Criteria: ACMG Guidelines, 2015. Collection method: clinical testing. Allele origin: germline.